The following is an entry in ClinVar:

ClinVar aggregate classification (germline): Uncertain significance (1 of 4 stars; one submission).

Conditions:
Walker-Warburg congenital muscular dystrophy. Also called: Muscular dystrophy-dystroglycanopathy, type A; Walker-Warburg syndrome. Identifiers: Orphanet 899, MedGen C0265221, MONDO:0000171.

Allele frequency attached by ClinVar (database versions not stated): gnomAD exomes below 0.00001.
gnomAD v4.1: 2 of 1,558,018 alleles (0.00013%); highest among the groups gnomAD compares: Non-Finnish European, 0.00017%; no homozygotes.

Submission:

Labcorp Genetics (formerly Invitae), Labcorp
Classification: Uncertain significance for Walker-Warburg congenital muscular dystrophy. Last evaluated: 2023-05-12. Review status: criteria provided, single submitter. Criteria: Invitae Variant Classification Sherloc (09022015). Collection method: clinical testing. Allele origin: germline.
Comment: This variant has not been reported in the literature in individuals affected with FKRP-related conditions. Advanced modeling of protein sequence and biophysical properties (such as structural, functional, and spatial information, amino acid conservation, physicochemical variation, residue mobility, and thermodynamic stability) performed at Invitae indicates that this missense variant is expected to disrupt FKRP protein function. This variant is not present in population databases (gnomAD no frequency). This sequence change replaces tyrosine, which is neutral and polar, with cysteine, which is neutral and slightly polar, at codon 328 of the FKRP protein (p.Tyr328Cys). In summary, the available evidence is currently insufficient to determine the role of this variant in disease. Therefore, it has been classified as a Variant of Uncertain Significance.

NM_024301.5(FKRP):c.983A>G (p.Tyr328Cys)

Gene: FKRP (fukutin related protein; plus strand). Cytogenetic location: 19q13.32.
Variant type: single nucleotide variant.
Coding change: c.983A>G on transcript NM_024301.5 (MANE Select); coding-DNA position 983, A replaced by G.
Protein change: p.Tyr328Cys; replaces tyrosine 328 with cysteine.
Molecular consequence: missense variant.
Genome position (GRCh38, 1-based): chr19:46,756,433, A>G. VCF-style: chr19-46756433-A-G. GRCh37 (hg19) VCF-style: chr19-47259690-A-G.
Other names: c.983A>G, p.Tyr328Cys (NM_001039885.3); short protein forms Y328C.
Identifiers: ClinVar variation 2982150 (VCV002982150.3), dbSNP rs2513995046, ClinGen allele CA406496408.
Genomic context (GRCh38, chr19:46,756,433, plus strand): 5'-TCTACGAGGAGCGCTGGACGCCCCCCTGCTGCCTGCGCGCGCTGCGCGAGACCGCCCGCT[A>G]TGTGGTGGGCGTGCTGGAGGCTGCGGGCGTGCGCTACTGGCTCGAGGGCGGCTCACTGCT-3'
Protein context (NP_077277.1, residues 318-338): CLRALRETAR[Tyr328Cys]VVGVLEAAGV